The following is an entry in ClinVar:

ClinVar aggregate classification (germline): Uncertain significance (1 of 4 stars; one submission).

Conditions:
Left ventricular noncompaction 8 (LVNC8). Identifiers: Orphanet 154, Orphanet 54260, MedGen C3809288, MONDO:0014152, OMIM 615373.

Submission:

Labcorp Genetics (formerly Invitae), Labcorp
Classification: Uncertain significance for Left ventricular noncompaction 8. Last evaluated: 2024-02-24. Review status: criteria provided, single submitter. Criteria: Invitae Variant Classification Sherloc (09022015). Collection method: clinical testing. Allele origin: germline.
Comment: This variant, c.3375_3392del, results in the deletion of 6 amino acid(s) of the PRDM16 protein (p.Asp1125_Asp1130del), but otherwise preserves the integrity of the reading frame. This variant is not present in population databases (gnomAD no frequency). This variant has not been reported in the literature in individuals affected with PRDM16-related conditions. ClinVar contains an entry for this variant (Variation ID: 474428). Experimental studies and prediction algorithms are not available or were not evaluated, and the functional significance of this variant is currently unknown. In summary, the available evidence is currently insufficient to determine the role of this variant in disease. Therefore, it has been classified as a Variant of Uncertain Significance.

NM_022114.4(PRDM16):c.3375_3392del (p.Asp1125_Asp1130del)

Gene: PRDM16 (PR/SET domain 16; plus strand). Cytogenetic location: 1p36.32.
Variant type: Deletion.
Coding change: c.3375_3392del on transcript NM_022114.4 (MANE Select); coding-DNA positions 3375 to 3392, 18 bases deleted (CCTGGAGGAGGACGATGA).
Protein change: p.Asp1125_Asp1130del.
Molecular consequence: inframe deletion.
Genome position (GRCh38, 1-based): chr1:3,430,962-3,430,979, CCTGGAGGAGGACGATGA deleted; deleting any 18 consecutive bases within chr1:3,430,954-3,430,979 gives the same sequence; the c. name uses the placement nearest the transcript's 3' end. VCF-style (leftmost placement, unchanged base first): chr1-3430953-CGACGATGACCTGGAGGAG-C. GRCh37 (hg19) VCF-style: chr1-3347517-CGACGATGACCTGGAGGAG-C.
Other names: c.3375_3392del, p.Asp1125_Asp1130del (NM_199454.3).
Identifiers: ClinVar variation 474428 (VCV000474428.8), dbSNP rs1553180122, ClinGen allele CA658656869.
Genomic context (GRCh38, chr1:3,430,953, plus strand): 5'-CGGCAGTGCCCAGTGTCCAGGCCTAGCCAGTGAGAAGCAGGAGGACGTGGAGGAGGAGGA[CGACGATGACCTGGAGGAG>C]GACGATGAGGACAGCCTGGCCGGGAAGTCGCAGGATGACACCGTGTCCCCCGCACCCGAG-3'